The following is an entry in ClinVar:

ClinVar aggregate classification (germline): Conflicting classifications of pathogenicity. Review status: criteria provided, conflicting classifications (1 of 4 stars). 2 submissions from 2 submitters: Likely pathogenic (1); Uncertain significance (1). Last evaluated 2026-01-20.

Submissions (2):

Labcorp Genetics (formerly Invitae), Labcorp
Classification: Likely pathogenic. Last evaluated: 2026-01-20. Review status: criteria provided, single submitter. Criteria: Invitae Variant Classification Sherloc (09022015). Collection method: clinical testing. Allele origin: germline.
Comment: This sequence change falls in intron 8 of the ADAMTSL4 gene. It does not directly change the encoded amino acid sequence of the ADAMTSL4 protein. This variant is present in population databases (rs756081560, gnomAD 0.003%). This variant has been observed in individual(s) with clinical features of ectopia lentis (internal data). In at least one individual the data is consistent with being in trans (on the opposite chromosome) from a pathogenic variant. Algorithms developed to predict the effect of sequence changes on RNA splicing suggest that this variant may disrupt the consensus splice site. In summary, the currently available evidence indicates that the variant is pathogenic, but additional data are needed to prove that conclusively. Therefore, this variant has been classified as Likely Pathogenic.

Blueprint Genetics
Classification: Uncertain significance. Last evaluated: 2024-01-12. Review status: criteria provided, single submitter. Criteria: ACMG Guidelines, 2015. Collection method: clinical testing. Allele origin: germline.

NM_019032.6(ADAMTSL4):c.1372-7_1372-4del

Genes: ADAMTSL4 (ADAMTS like 4; plus strand), ADAMTSL4-AS2 (ADAMTSL4 antisense RNA 2; minus strand). Cytogenetic location: 1q21.2.
Variant type: Microsatellite.
Coding change: c.1372-7_1372-4del on transcript NM_019032.6 (MANE Select); 7 bases into the intron before coding-DNA position 1372 through 4 bases into the intron before coding-DNA position 1372, 4 bases deleted (TCTC; older notation c.1372-7_1372-4delTCTC).
Molecular consequence: intron variant.
Genome position (GRCh38, 1-based): chr1:150,556,155-150,556,158, TCTC deleted; deleting any 4 consecutive bases within chr1:150,556,152-150,556,158 gives the same sequence; the c. name uses the placement nearest the transcript's 3' end. VCF-style (leftmost placement, unchanged base first): chr1-150556151-ACTCT-A. GRCh37 (hg19) VCF-style: chr1-150528627-ACTCT-A.
Other names: c.1441-7_1441-4del (NM_001288608.2, NM_001288607.2); c.1372-7_1372-4del (NM_001378596.1, NM_025008.5).
Identifiers: ClinVar variation 1430742 (VCV001430742.5), dbSNP rs756081560, ClinGen allele CA1078259.